The following is an entry in ClinVar:

NM_003632.3(CNTNAP1):c.600C>T (p.Ala200=)

Gene: CNTNAP1 (contactin associated protein 1; plus strand). Cytogenetic location: 17q21.2.
Variant type: single nucleotide variant.
Coding change: c.600C>T on transcript NM_003632.3 (MANE Select); coding-DNA position 600, C replaced by T.
Protein change: p.Ala200=; no amino-acid change (alanine 200 retained).
Molecular consequence: synonymous variant.
Genome position (GRCh38, 1-based): chr17:42,685,305, C>T. VCF-style: chr17-42685305-C-T. GRCh37 (hg19) VCF-style: chr17-40837323-C-T.
Identifiers: ClinVar variation 2018137 (VCV002018137.4), dbSNP rs2543788618, ClinGen allele CA500090718.

ClinVar aggregate classification (germline): Uncertain significance (1 of 4 stars; one submission).

Submission:

Labcorp Genetics (formerly Invitae), Labcorp
Classification: Uncertain significance. Last evaluated: 2022-07-19. Review status: criteria provided, single submitter. Criteria: Invitae Variant Classification Sherloc (09022015). Collection method: clinical testing. Allele origin: germline.
Comment: In summary, the available evidence is currently insufficient to determine the role of this variant in disease. Therefore, it has been classified as a Variant of Uncertain Significance. Algorithms developed to predict the effect of sequence changes on RNA splicing suggest that this variant may create or strengthen a splice site. This variant has not been reported in the literature in individuals affected with CNTNAP1-related conditions. This variant is not present in population databases (gnomAD no frequency). This sequence change affects codon 200 of the CNTNAP1 mRNA. It is a 'silent' change, meaning that it does not change the encoded amino acid sequence of the CNTNAP1 protein.